The following is an entry in ClinVar:

ClinVar aggregate classification (germline): Likely benign. Review status: criteria provided, multiple submitters, no conflicts (2 of 4 stars). 9 submissions from 9 submitters: Likely benign (9). Last evaluated 2026-04-27.

Conditions:
TTN-related disorder. Also called: TTN-related condition; TTN-related disease; TTN-related disorders.
Cardiovascular phenotype. Identifiers: MedGen CN230736.
Dilated cardiomyopathy 1G (CMD1G). Identifiers: Orphanet 154, MedGen C1858763, MONDO:0011400, OMIM 604145.
Autosomal recessive limb-girdle muscular dystrophy type 2J (LGMDR10). Also called: Limb-girdle muscular dystrophy, type 2J; MUSCULAR DYSTROPHY, LIMB-GIRDLE, AUTOSOMAL RECESSIVE 10. Identifiers: Orphanet 140922, MedGen C1837342, MONDO:0012127, OMIM 608807.
Myopathy, myofibrillar, 9, with early respiratory failure (MFM9). Also called: Hereditary myopathy with early respiratory failure; Myopathy, distal, with early respiratory failure, autosomal dominant; EDSTROM MYOPATHY; MYOPATHY, PROXIMAL, WITH EARLY RESPIRATORY MUSCLE INVOLVEMENT. Identifiers: Orphanet 178464, Orphanet 34521, MedGen C1863599, MONDO:0011362, OMIM 603689.
Tibial muscular dystrophy (TMD). Also called: Udd Distal Myopathy – Tibial Muscular Dystrophy; Tibial muscular dystrophy, tardive; UDD MYOPATHY. Identifiers: Orphanet 609, MedGen C1838244, MONDO:0010870, OMIM 600334.
Early-onset myopathy with fatal cardiomyopathy (CMYO5). Also called: Salih Myopathy; CONGENITAL MYOPATHY 5 WITH CARDIOMYOPATHY. Identifiers: Orphanet 289377, MedGen C2673677, MONDO:0012714, OMIM 611705. Disease mechanism: loss of function.
Hypertrophic cardiomyopathy 9. Also called: Familial hypertrophic cardiomyopathy 9. Identifiers: MedGen C1861065, MONDO:0013412, OMIM 613765.

Allele frequency attached by ClinVar (database versions not stated): gnomAD exomes 0.00002; gnomAD 0.00004 and 0.00005; TOPMed 0.00006; ESP Exome Variant Server 0.00008.
gnomAD v4.1: 41 of 1,605,594 alleles (0.0026%); highest among the groups gnomAD compares: African/African-American, 0.0067%; no homozygotes.

Submissions (9):

PreventionGenetics, part of Exact Sciences
Classification: Likely benign for TTN-related condition. Last evaluated: 2026-04-27. Review status: criteria provided, single submitter. Criteria: ACMG Guidelines, 2015. Collection method: clinical testing. Allele origin: germline.
Comment: This variant is classified as likely benign based on ACMG/AMP sequence variant interpretation guidelines (Richards et al. 2015 PMID: 25741868, with internal and published modifications).

Labcorp Genetics (formerly Invitae), Labcorp
Classification: Likely benign for Dilated cardiomyopathy 1G; Autosomal recessive limb-girdle muscular dystrophy type 2J. Last evaluated: 2026-01-06. Review status: criteria provided, single submitter. Criteria: Invitae Variant Classification Sherloc (09022015). Collection method: clinical testing. Allele origin: germline.

Molecular Diagnostic Laboratory for Inherited Cardiovascular Disease, Montreal Heart Institute
Classification: Likely benign. Last evaluated: 2025-04-09. Review status: criteria provided, single submitter. Criteria: ACMG Guidelines, 2015. Collection method: clinical testing. Allele origin: germline. Affected: no.

CeGaT Center for Human Genetics Tuebingen
Classification: Likely benign. Last evaluated: 2024-11-01. Review status: criteria provided, single submitter. Criteria: CeGaT Center For Human Genetics Tuebingen Variant Classification Criteria Version 2. Collection method: clinical testing. Allele origin: germline. Affected: yes. Observed: 1 variant allele.
Comment: TTN: BP4, BP7

Blueprint Genetics
Classification: Likely benign. Last evaluated: 2024-08-29. Review status: criteria provided, single submitter. Criteria: ACMG Guidelines, 2015. Collection method: clinical testing. Allele origin: germline.

Fulgent Genetics
Classification: Likely benign for Tibial muscular dystrophy; Myopathy, myofibrillar, 9, with early respiratory failure; Dilated cardiomyopathy 1G; Autosomal recessive limb-girdle muscular dystrophy type 2J; Early-onset myopathy with fatal cardiomyopathy; Hypertrophic cardiomyopathy 9. Last evaluated: 2021-08-10. Review status: criteria provided, single submitter. Criteria: ACMG Guidelines, 2015. Collection method: clinical testing. Allele origin: unknown.

Ambry Genetics
Classification: Likely benign for Cardiovascular phenotype. Last evaluated: 2020-02-25. Review status: criteria provided, single submitter. Criteria: Ambry Variant Classification Scheme 2023. Collection method: clinical testing. Allele origin: germline.

Laboratory for Molecular Medicine, Mass General Brigham Personalized Medicine
Classification: Likely benign. Last evaluated: 2012-03-19. Review status: criteria provided, single submitter. Criteria: LMM Criteria. Collection method: clinical testing. Allele origin: germline. Observed: 1 variant allele.
Comment: Ser28842Ser in exon 289 of TTN: This variant is not expected to have clinical si gnificance because it does not alter an amino acid residue, and is not located w ithin the splice consensus sequence. It has been identified in 1/6608 European A merican chromosomes from a broad population by the NHLBI Exome Sequencing Projec t. Ser28842Ser in exon 289 of TTN (allele f requency = 1/6608) **

Breakthrough Genomics
Classification: Likely benign. Review status: criteria provided, single submitter. Criteria: ACMG Guidelines, 2015. Collection method: not provided. Allele origin: germline. Inheritance: Autosomal recessive inheritance. Affected: yes.

NM_001267550.2(TTN):c.94230C>T (p.Ser31410=)

Genes: TTN (titin; minus strand), TTN-AS1 (TTN antisense RNA 1; plus strand). Cytogenetic location: 2q31.2.
Variant type: single nucleotide variant.
Coding change: c.94230C>T on transcript NM_001267550.2 (MANE Select); coding-DNA position 94230, C replaced by T.
Protein change: p.Ser31410=; no amino-acid change (serine 31410 retained).
Molecular consequence: synonymous variant.
Genome position (GRCh38, 1-based): chr2:178,547,295, G>A on the plus strand (C>T on the coding strand, the complement: TTN is on the minus strand). VCF-style: chr2-178547295-G-A. GRCh37 (hg19) VCF-style: chr2-179412022-G-A.
Other names: c.86526C>T, p.Ser28842= (NM_133378.4); c.89307C>T, p.Ser29769= (NM_001256850.1); c.67035C>T, p.Ser22345= (NM_003319.4); c.67410C>T, p.Ser22470= (NM_133432.3); c.67611C>T, p.Ser22537= (NM_133437.4).
Identifiers: ClinVar variation 47540 (VCV000047540.35), dbSNP rs373502790, ClinGen allele CA141301.
Genomic context (GRCh38, chr2:178,547,295, plus strand): 5'-TTCCCAACGAATAGACATGGCATTGGCAGACACATGGTAGACCTCAGGTCTGGTAGGAGC[G>A]CTTGGTGGGACTAAATATAAACAAAGGTATTAAGTATGAATACAATTTTATAAAATTCAG-3'
Protein context (NP_001254479.2, residues 31400-31420): IIAEHPFVPP[Ser31410=]APTRPEVYHV